The following is an entry in ClinVar:

NM_001848.3(COL6A1):c.1957-78G>A

Gene: COL6A1 (collagen type VI alpha 1 chain; plus strand). Cytogenetic location: 21q22.3.
Variant type: single nucleotide variant.
Coding change: c.1957-78G>A on transcript NM_001848.3 (MANE Select); 78 bases into the intron before coding-DNA position 1957, G replaced by A.
Molecular consequence: intron variant.
Genome position (GRCh38, 1-based): chr21:46,001,883, G>A. VCF-style: chr21-46001883-G-A. GRCh37 (hg19) VCF-style: chr21-47421797-G-A.
Identifiers: ClinVar variation 679198 (VCV000679198.2), dbSNP rs8131313, ClinGen allele CA14875390.

ClinVar aggregate classification (germline): Benign. Review status: criteria provided, multiple submitters, no conflicts (2 of 4 stars). 2 submissions from 2 submitters: Benign (2). Last evaluated 2018-06-14.

Allele frequency attached by ClinVar (database versions not stated): gnomAD 0.31839 and 0.32590; TOPMed 0.32630; 1000 Genomes Project 30x 0.38585; 1000 Genomes Project 0.39157.

Submissions (2):

GeneDx
Classification: Benign. Last evaluated: 2018-06-14. Review status: criteria provided, single submitter. Criteria: GeneDx Variant Classification (06012015). Collection method: clinical testing. Allele origin: germline. Affected: yes.
Comment: This variant is considered likely benign or benign based on one or more of the following criteria: it is a conservative change, it occurs at a poorly conserved position in the protein, it is predicted to be benign by multiple in silico algorithms, and/or has population frequency not consistent with disease.

Breakthrough Genomics
Classification: Benign. Review status: criteria provided, single submitter. Criteria: ACMG Guidelines, 2015. Collection method: not provided. Allele origin: germline. Inheritance: Autosomal recessive inheritance. Affected: yes.